The following is an entry in ClinVar:

NM_001384732.1(CPLANE1):c.7439del (p.Arg2480fs)

Gene: CPLANE1 (ciliogenesis and planar polarity effector complex subunit 1; minus strand). Cytogenetic location: 5p13.2.
Variant type: Deletion.
Coding change: c.7439del on transcript NM_001384732.1 (MANE Select); coding-DNA position 7439, one base deleted (G; older notation c.7439delG).
Protein change: p.Arg2480fs; shifts the reading frame from arginine 2480.
Molecular consequence: frameshift variant.
Genome position (GRCh38, 1-based): chr5:37,165,633, C deleted on the plus strand (G on the coding strand, the reverse complement: CPLANE1 is on the minus strand). VCF-style (leftmost placement, unchanged base first): chr5-37165632-TC-T. GRCh37 (hg19) VCF-style: chr5-37165734-TC-T.
Other names: c.7439del, p.Arg2480fs (NM_023073.4); short protein forms R2480fs.
Identifiers: ClinVar variation 4767401 (VCV004767401.1).

ClinVar aggregate classification (germline): Pathogenic (1 of 4 stars; one submission).

Submission:

Labcorp Genetics (formerly Invitae), Labcorp
Classification: Pathogenic. Last evaluated: 2025-09-07. Review status: criteria provided, single submitter. Criteria: Invitae Variant Classification Sherloc (09022015). Collection method: clinical testing. Allele origin: germline.
Comment: This sequence change creates a premature translational stop signal (p.Arg2480Asnfs*5) in the CPLANE1 gene. It is expected to result in an absent or disrupted protein product. Loss-of-function variants in CPLANE1 are known to be pathogenic (PMID: 24178751, 26092869). This variant is not present in population databases (gnomAD no frequency). This variant has not been reported in the literature in individuals affected with CPLANE1-related conditions. For these reasons, this variant has been classified as Pathogenic.

Literature cited by the submitters: PubMed 24178751; PubMed 26092869.